The following is an entry in ClinVar:

ClinVar aggregate classification (germline): Uncertain significance (1 of 4 stars; one submission).

Allele frequency attached by ClinVar (database versions not stated): gnomAD exomes below 0.00001; TOPMed below 0.00001; gnomAD 0.00001.
gnomAD v4.1: 2 of 1,613,930 alleles (0.00012%); highest among the groups gnomAD compares: Non-Finnish European, 0.00017%; no homozygotes.

Submission:

Labcorp Genetics (formerly Invitae), Labcorp
Classification: Uncertain significance. Last evaluated: 2024-01-06. Review status: criteria provided, single submitter. Criteria: Invitae Variant Classification Sherloc (09022015). Collection method: clinical testing. Allele origin: germline.
Comment: This sequence change replaces aspartic acid, which is acidic and polar, with asparagine, which is neutral and polar, at codon 5 of the MCM5 protein (p.Asp5Asn). This variant is not present in population databases (gnomAD no frequency). This variant has not been reported in the literature in individuals affected with MCM5-related conditions. ClinVar contains an entry for this variant (Variation ID: 1468224). An algorithm developed to predict the effect of missense changes on protein structure and function (PolyPhen-2) suggests that this variant is likely to be disruptive. In summary, the available evidence is currently insufficient to determine the role of this variant in disease. Therefore, it has been classified as a Variant of Uncertain Significance.

NM_006739.4(MCM5):c.13G>A (p.Asp5Asn)

Gene: MCM5 (minichromosome maintenance complex component 5; plus strand). Cytogenetic location: 22q12.3.
Variant type: single nucleotide variant.
Coding change: c.13G>A on transcript NM_006739.4 (MANE Select); coding-DNA position 13, G replaced by A.
Protein change: p.Asp5Asn; replaces aspartic acid 5 with asparagine.
Molecular consequence: missense variant.
Genome position (GRCh38, 1-based): chr22:35,400,451, G>A. VCF-style: chr22-35400451-G-A. GRCh37 (hg19) VCF-style: chr22-35796444-G-A.
Other names: short protein forms D5N.
Identifiers: ClinVar variation 1468224 (VCV001468224.8), dbSNP rs1280481672, ClinGen allele CA411356330.